The following is an entry in ClinVar:

NM_020949.3(SLC7A14):c.1606C>G (p.Leu536Val)

Genes: SLC7A14 (solute carrier family 7 member 14; minus strand), SLC7A14-AS1 (SLC7A14 antisense RNA 1; plus strand). Cytogenetic location: 3q26.2.
Variant type: single nucleotide variant.
Coding change: c.1606C>G on transcript NM_020949.3 (MANE Select); coding-DNA position 1606, C replaced by G.
Protein change: p.Leu536Val; replaces leucine 536 with valine.
Molecular consequence: missense variant.
Genome position (GRCh38, 1-based): chr3:170,480,676, G>C on the plus strand (C>G on the coding strand, the complement: SLC7A14 is on the minus strand). VCF-style: chr3-170480676-G-C. GRCh37 (hg19) VCF-style: chr3-170198465-G-C.
Other names: short protein forms L536V.
Identifiers: ClinVar variation 3008463 (VCV003008463.4), dbSNP rs1186950311, ClinGen allele CA355489884.

ClinVar aggregate classification (germline): Uncertain significance. Review status: criteria provided, multiple submitters, no conflicts (2 of 4 stars). 2 submissions from 2 submitters: Uncertain significance (2). Last evaluated 2022-11-15.

gnomAD v4.1: 5 of 1,614,262 alleles (0.00031%); highest among the groups gnomAD compares: Non-Finnish European, 0.00042%; no homozygotes.

Submissions (2):

Labcorp Genetics (formerly Invitae), Labcorp
Classification: Uncertain significance. Last evaluated: 2022-11-15. Review status: criteria provided, single submitter. Criteria: Invitae Variant Classification Sherloc (09022015). Collection method: clinical testing. Allele origin: germline.
Comment: Algorithms developed to predict the effect of missense changes on protein structure and function (SIFT, PolyPhen-2, Align-GVGD) all suggest that this variant is likely to be tolerated. In summary, the available evidence is currently insufficient to determine the role of this variant in disease. Therefore, it has been classified as a Variant of Uncertain Significance. This sequence change replaces leucine, which is neutral and non-polar, with valine, which is neutral and non-polar, at codon 536 of the SLC7A14 protein (p.Leu536Val). This variant is present in population databases (no rsID available, gnomAD 0.0009%). This variant has not been reported in the literature in individuals affected with SLC7A14-related conditions.

Blueprint Genetics
Classification: Uncertain significance. Last evaluated: 2018-07-05. Review status: criteria provided, single submitter. Criteria: ACMG Guidelines, 2015. Collection method: clinical testing. Allele origin: germline.